The following is an entry in ClinVar:

ClinVar aggregate classification (germline): Uncertain significance. Review status: criteria provided, multiple submitters, no conflicts (2 of 4 stars). 2 submissions from 2 submitters: Uncertain significance (2). Last evaluated 2025-08-06.

Conditions:
Developmental and epileptic encephalopathy, 37 (DEE37). Also called: Epileptic encephalopathy, early infantile, 37. Identifiers: MedGen C4310770, MONDO:0014859, OMIM 616981.
Inborn genetic diseases. Identifiers: MedGen C0950123, MeSH D030342.

Allele frequency attached by ClinVar (database versions not stated): ExAC 0.00002.
gnomAD v4.1: 24 of 1,610,354 alleles (0.0015%); highest among the groups gnomAD compares: South Asian, 0.0077%; no homozygotes.

Submissions (2):

Ambry Genetics
Classification: Uncertain significance for Inborn genetic diseases. Last evaluated: 2025-08-06. Review status: criteria provided, single submitter. Criteria: Ambry Variant Classification Scheme 2023. Collection method: clinical testing. Allele origin: germline.

Labcorp Genetics (formerly Invitae), Labcorp
Classification: Uncertain significance for Developmental and epileptic encephalopathy, 37. Last evaluated: 2022-06-27. Review status: criteria provided, single submitter. Criteria: Invitae Variant Classification Sherloc (09022015). Collection method: clinical testing. Allele origin: germline.
Comment: This sequence change replaces proline, which is neutral and non-polar, with leucine, which is neutral and non-polar, at codon 299 of the FRRS1L protein (p.Pro299Leu). This variant is present in population databases (rs759702689, gnomAD 0.004%). This missense change has been observed in individual(s) with clinical features of FRRS1L-related conditions (Invitae). Algorithms developed to predict the effect of missense changes on protein structure and function are either unavailable or do not agree on the potential impact of this missense change (SIFT: "Deleterious"; PolyPhen-2: "Benign"; Align-GVGD: "Class C65"). In summary, the available evidence is currently insufficient to determine the role of this variant in disease. Therefore, it has been classified as a Variant of Uncertain Significance.

NM_014334.4(FRRS1L):c.743C>T (p.Pro248Leu)

Gene: FRRS1L (ferric chelate reductase 1 like; minus strand). Cytogenetic location: 9q31.3.
Variant type: single nucleotide variant.
Coding change: c.743C>T on transcript NM_014334.4 (MANE Select); coding-DNA position 743, C replaced by T.
Protein change: p.Pro248Leu; replaces proline 248 with leucine.
Molecular consequence: missense variant.
Genome position (GRCh38, 1-based): chr9:109,137,594, G>A on the plus strand (C>T on the coding strand, the complement: FRRS1L is on the minus strand). VCF-style: chr9-109137594-G-A. GRCh37 (hg19) VCF-style: chr9-111899874-G-A.
Other names: c.896C>T (NM_014334.2); short protein forms P248L.
Identifiers: ClinVar variation 1368449 (VCV001368449.6), dbSNP rs759702689, ClinGen allele CA5177322.
Genomic context (GRCh38, chr9:109,137,594, plus strand): 5'-GCAGCTGATGGCATAAAAATGTCTTCATACTTGTAAATACTGACAACACGCTCTGAAGCC[G>A]GCGGTGAGTCTATATCATGTCGAGTGATAGAGCCTTTAAGAAAAAAAGAGAAGAGCAGGG-3'
Protein context (NP_055149.3, residues 238-258): SITRHDIDSP[Pro248Leu]ASERVVSIYK